The following is an entry in ClinVar:

NM_001386298.1(CIC):c.5304C>T (p.Thr1768=)

Gene: CIC (capicua transcriptional repressor; plus strand). Cytogenetic location: 19q13.2.
Variant type: single nucleotide variant.
Coding change: c.5304C>T on transcript NM_001386298.1 (MANE Select); coding-DNA position 5304, C replaced by T.
Protein change: p.Thr1768=; no amino-acid change (threonine 1768 retained).
Molecular consequence: synonymous variant.
Genome position (GRCh38, 1-based): chr19:42,291,345, C>T. VCF-style: chr19-42291345-C-T. GRCh37 (hg19) VCF-style: chr19-42795497-C-T.
Other names: c.5304C>T, p.Thr1768= (NM_001304815.2, NM_001379480.1, NM_001379482.1 and 1 more transcripts); c.2577C>T, p.Thr859= (NM_001379484.1, NM_001379485.1, NM_015125.5).
Identifiers: ClinVar variation 3032034 (VCV003032034.2), dbSNP rs530353066, ClinGen allele CA308630847.

ClinVar aggregate classification (germline): Likely benign (0 of 4 stars; one submission).

Conditions:
CIC-related disorder. Also called: CIC-related condition.

Allele frequency attached by ClinVar (database versions not stated): gnomAD exomes below 0.00001; gnomAD 0.00001; 1000 Genomes Project 30x 0.00016; 1000 Genomes Project 0.00020.
gnomAD v4.1: 3 of 1,612,810 alleles (0.00019%); highest among the groups gnomAD compares: African/African-American, 0.0027%; no homozygotes.

Submission:

PreventionGenetics, part of Exact Sciences
Classification: Likely benign for CIC-related condition. Last evaluated: 2020-10-21. Review status: no assertion criteria provided. Collection method: clinical testing. Allele origin: germline.
Comment: This variant is classified as likely benign based on ACMG/AMP sequence variant interpretation guidelines (Richards et al. 2015 PMID: 25741868, with internal and published modifications).